The following is an entry in ClinVar:

NM_002335.4(LRP5):c.4700_4706del (p.Asn1567fs)

Gene: LRP5 (LDL receptor related protein 5; plus strand). Cytogenetic location: 11q13.2.
Variant type: Deletion.
Coding change: c.4700_4706del on transcript NM_002335.4 (MANE Select); coding-DNA positions 4700 to 4706, 7 bases deleted (ACTCGGA; older notation c.4700_4706delACTCGGA).
Protein change: p.Asn1567fs; shifts the reading frame from asparagine 1567.
Molecular consequence: frameshift variant.
Genome position (GRCh38, 1-based): chr11:68,448,922-68,448,928, ACTCGGA deleted; deleting any 7 consecutive bases within chr11:68,448,920-68,448,928 gives the same sequence; the c. name uses the placement nearest the transcript's 3' end. VCF-style (leftmost placement, unchanged base first): chr11-68448919-TGAACTCG-T. GRCh37 (hg19) VCF-style: chr11-68216387-TGAACTCG-T.
Other names: c.2957_2963del, p.Asn986fs (NM_001291902.2); short protein forms N1567fs, N986fs.
Identifiers: ClinVar variation 863559 (VCV000863559.8), dbSNP rs2098682908, ClinGen allele CA916083257.
Genomic context (GRCh38, chr11:68,448,919, plus strand): 5'-ACGTGTGTGACAGCGACTACAGCGCCAGCCGCTGGAAGGCCAGCAAGTACTACCTGGATT[TGAACTCG>T]GACTCAGACCCCTATCCACCCCCACCCACGCCCCACAGCCAGTACCTGTCGGCGGAGGAC-3'

ClinVar aggregate classification (germline): Uncertain significance (1 of 4 stars; one submission).

Submission:

Labcorp Genetics (formerly Invitae), Labcorp
Classification: Uncertain significance. Last evaluated: 2019-12-07. Review status: criteria provided, single submitter. Criteria: Invitae Variant Classification Sherloc (09022015). Collection method: clinical testing. Allele origin: germline.
Comment: This sequence change results in a frameshift in the LRP5 gene (p.Asn1567Thrfs*62). While this is not anticipated to result in nonsense mediated decay, it is expected to disrupt the last 49 amino acids of the LRP5 protein and extend the protein by an additional 12 amino acids. In summary, the available evidence is currently insufficient to determine the role of this variant in disease. Therefore, it has been classified as a Variant of Uncertain Significance. This variant has not been reported in the literature in individuals with LRP5-related conditions. This variant is not present in population databases (ExAC no frequency).